The following is an entry in ClinVar:

NM_014679.5(CEP57):c.1386_1388del (p.Lys463del)

Gene: CEP57 (centrosomal protein 57; plus strand). Cytogenetic location: 11q21.
Variant type: Deletion.
Coding change: c.1386_1388del on transcript NM_014679.5 (MANE Select); coding-DNA positions 1386 to 1388, 3 bases deleted (GAA; older notation c.1386_1388delGAA).
Protein change: p.Lys463del; deletes lysine 463.
Molecular consequence: inframe deletion.
Genome position (GRCh38, 1-based): chr11:95,831,139-95,831,141, GAA deleted; deleting any 3 consecutive bases within chr11:95,831,137-95,831,141 gives the same sequence; the c. name uses the placement nearest the transcript's 3' end. VCF-style (leftmost placement, unchanged base first): chr11-95831136-TAAG-T. GRCh37 (hg19) VCF-style: chr11-95564300-TAAG-T.
Other names: c.1359_1361del, p.Lys454del (NM_001243776.2); c.1308_1310del, p.Lys437del (NM_001243777.2); c.1305_1307del, p.Lys436del (NM_001363604.2, NM_001440869.1, NM_001440870.1); c.1278_1280del, p.Lys427del (NM_001440871.1); c.1269_1271del, p.Lys424del (NM_001440872.1); c.1206_1208del, p.Lys403del (NM_001440873.1); c.1200_1202del, p.Lys401del (NM_001440874.1); c.1197_1199del, p.Lys400del (NM_001440875.1); and 6 more; short protein forms K364del, K397del, K398del, K401del, K362del, K427del, K436del, K454del.
Identifiers: ClinVar variation 4749404 (VCV004749404.1).

ClinVar aggregate classification (germline): Uncertain significance (1 of 4 stars; one submission).

Conditions:
Mosaic variegated aneuploidy syndrome 2 (MVA2). Identifiers: Orphanet 1052, MedGen C3279843, MONDO:0013582, OMIM 614114.

Submission:

Labcorp Genetics (formerly Invitae), Labcorp
Classification: Uncertain significance for Mosaic variegated aneuploidy syndrome 2. Last evaluated: 2025-05-05. Review status: criteria provided, single submitter. Criteria: Invitae Variant Classification Sherloc (09022015). Collection method: clinical testing. Allele origin: germline.
Comment: This variant, c.1386_1388del, results in the deletion of 1 amino acid(s) of the CEP57 protein (p.Lys463del), but otherwise preserves the integrity of the reading frame. This variant is not present in population databases (gnomAD no frequency). This variant has not been reported in the literature in individuals affected with CEP57-related conditions. Experimental studies and prediction algorithms are not available or were not evaluated, and the functional significance of this variant is currently unknown. In summary, the available evidence is currently insufficient to determine the role of this variant in disease. Therefore, it has been classified as a Variant of Uncertain Significance.